The following is an entry in ClinVar:

NM_001605.3(AARS1):c.1971T>A (p.Asn657Lys)

Gene: AARS1 (alanyl-tRNA synthetase 1; minus strand). Cytogenetic location: 16q22.1.
Variant type: single nucleotide variant.
Coding change: c.1971T>A on transcript NM_001605.3 (MANE Select); coding-DNA position 1971, T replaced by A.
Protein change: p.Asn657Lys; replaces asparagine 657 with lysine.
Molecular consequence: missense variant.
Genome position (GRCh38, 1-based): chr16:70,259,001, A>T on the plus strand (T>A on the coding strand, the complement: AARS1 is on the minus strand). VCF-style: chr16-70259001-A-T. GRCh37 (hg19) VCF-style: chr16-70292904-A-T.
Other names: short protein forms N657K.
Identifiers: ClinVar variation 2065434 (VCV002065434.4), dbSNP rs779839889, ClinGen allele CA8140621.

ClinVar aggregate classification (germline): Uncertain significance (1 of 4 stars; one submission).

Conditions:
Charcot-Marie-Tooth disease type 2. Also called: Charcot-Marie-Tooth type 2. Identifiers: Orphanet 64746, MedGen C0270914, MONDO:0018993.

Allele frequency attached by ClinVar (database versions not stated): TOPMed 0.00001; ExAC 0.00001; gnomAD 0.00001.
gnomAD v4.1: 4 of 1,614,024 alleles (0.00025%); highest among the groups gnomAD compares: African/African-American, 0.004%; no homozygotes.

Submission:

Labcorp Genetics (formerly Invitae), Labcorp
Classification: Uncertain significance for Charcot-Marie-Tooth disease type 2. Last evaluated: 2023-10-09. Review status: criteria provided, single submitter. Criteria: Invitae Variant Classification Sherloc (09022015). Collection method: clinical testing. Allele origin: germline.
Comment: This sequence change replaces asparagine, which is neutral and polar, with lysine, which is basic and polar, at codon 657 of the AARS protein (p.Asn657Lys). This variant is present in population databases (rs779839889, gnomAD 0.007%). This variant has not been reported in the literature in individuals affected with AARS-related conditions. ClinVar contains an entry for this variant (Variation ID: 2065434). Advanced modeling of protein sequence and biophysical properties (such as structural, functional, and spatial information, amino acid conservation, physicochemical variation, residue mobility, and thermodynamic stability) performed at Invitae indicates that this missense variant is not expected to disrupt AARS protein function. In summary, the available evidence is currently insufficient to determine the role of this variant in disease. Therefore, it has been classified as a Variant of Uncertain Significance.